The following is an entry in ClinVar:

NM_000815.5(GABRD):c.966T>C (p.Phe322=)

Gene: GABRD (gamma-aminobutyric acid type A receptor subunit delta; plus strand). Cytogenetic location: 1p36.33.
Variant type: single nucleotide variant.
Coding change: c.966T>C on transcript NM_000815.5 (MANE Select); coding-DNA position 966, T replaced by C.
Protein change: p.Phe322=; no amino-acid change (phenylalanine 322 retained).
Molecular consequence: synonymous variant.
Genome position (GRCh38, 1-based): chr1:2,029,669, T>C. VCF-style: chr1-2029669-T-C. GRCh37 (hg19) VCF-style: chr1-1961108-T-C.
Identifiers: ClinVar variation 761462 (VCV000761462.11), dbSNP rs937477150, ClinGen allele CA16891128.
Genomic context (GRCh38, chr1:2,029,669, plus strand): 5'-ACGGGCATCAGCCATCAAGGCACTGGACGTCTACTTCTGGATCTGCTATGTCTTCGTGTT[T>C]GCCGCCCTGGTGGAGTACGCCTTTGCTCATTTCAACGCCGACTACAGGAAGAAGCAGAAG-3'
Protein context (NP_000806.2, residues 312-332): VYFWICYVFV[Phe322=]AALVEYAFAH

ClinVar aggregate classification (germline): Benign/Likely benign. Review status: criteria provided, multiple submitters, no conflicts (2 of 4 stars). 3 submissions from 3 submitters: Benign (1); Likely benign (1). 1 of the submissions does not count toward it. Last evaluated 2025-05-12.

Conditions:
GABRD-related disorder. Also called: GABRD-related condition.
Idiopathic generalized epilepsy. Also called: EIG; Generalised epilepsy. Identifiers: MedGen C0270850, MONDO:0005579, OMIM 600669.

Allele frequency attached by ClinVar (database versions not stated): gnomAD exomes 0.00002 and 0.00003; TOPMed 0.00002; gnomAD 0.00003 and 0.00004.
gnomAD v4.1: 54 of 1,613,458 alleles (0.0033%); highest among the groups gnomAD compares: Non-Finnish European, 0.0041%; no homozygotes.

Submissions (3):

Labcorp Genetics (formerly Invitae), Labcorp
Classification: Likely benign for Idiopathic generalized epilepsy. Last evaluated: 2025-05-12. Review status: criteria provided, single submitter. Criteria: Invitae Variant Classification Sherloc (09022015). Collection method: clinical testing. Allele origin: germline.

Laboratory of Genetics, Children's Clinical University Hospital Latvia
Classification: Benign. Last evaluated: 2025-02-16. Review status: criteria provided, single submitter. Criteria: ACMG Guidelines, 2015. Collection method: clinical testing. Allele origin: germline. Affected: yes.

PreventionGenetics, part of Exact Sciences
Classification: Likely benign for GABRD-related condition. Last evaluated: 2019-06-11. Review status: no assertion criteria provided. Collection method: clinical testing. Allele origin: germline. Not counted in ClinVar's aggregate classification.
Comment: This variant is classified as likely benign based on ACMG/AMP sequence variant interpretation guidelines (Richards et al. 2015 PMID: 25741868, with internal and published modifications).